The following is an entry in ClinVar:

ClinVar aggregate classification (germline): Conflicting classifications of pathogenicity. Review status: criteria provided, conflicting classifications (1 of 4 stars). 2 submissions from 2 submitters: Uncertain significance (1); Likely benign (1). Last evaluated 2025-05-05.

Conditions:
Cardiovascular phenotype. Identifiers: MedGen CN230736.

Allele frequency attached by ClinVar (database versions not stated): gnomAD 0.00001; gnomAD exomes 0.00001; TOPMed 0.00003.
gnomAD v4.1: 11 of 1,549,854 alleles (0.00071%); highest among the groups gnomAD compares: Middle Eastern, 0.017%; no homozygotes.

Submissions (2):

Labcorp Genetics (formerly Invitae), Labcorp
Classification: Uncertain significance. Last evaluated: 2025-05-05. Review status: criteria provided, single submitter. Criteria: Invitae Variant Classification Sherloc (09022015). Collection method: clinical testing. Allele origin: germline.
Comment: This sequence change replaces alanine, which is neutral and non-polar, with threonine, which is neutral and polar, at codon 174 of the ZNF469 protein (p.Ala174Thr). This variant is present in population databases (no rsID available, gnomAD 0.01%). This variant has not been reported in the literature in individuals affected with ZNF469-related conditions. ClinVar contains an entry for this variant (Variation ID: 1746096). An algorithm developed to predict the effect of missense changes on protein structure and function outputs the following: PolyPhen-2: "Benign". The threonine amino acid residue is found in multiple mammalian species, which suggests that this missense change does not adversely affect protein function. In summary, the available evidence is currently insufficient to determine the role of this variant in disease. Therefore, it has been classified as a Variant of Uncertain Significance.

Ambry Genetics
Classification: Likely benign for Cardiovascular phenotype. Last evaluated: 2021-04-08. Review status: criteria provided, single submitter. Criteria: Ambry Variant Classification Scheme 2023. Collection method: clinical testing. Allele origin: germline.

NM_001367624.2(ZNF469):c.520G>A (p.Ala174Thr)

Gene: ZNF469 (zinc finger protein 469; plus strand). Cytogenetic location: 16q24.2.
Variant type: single nucleotide variant.
Coding change: c.520G>A on transcript NM_001367624.2 (MANE Select); coding-DNA position 520, G replaced by A.
Protein change: p.Ala174Thr; replaces alanine 174 with threonine.
Molecular consequence: missense variant.
Genome position (GRCh38, 1-based): chr16:88,427,990, G>A. VCF-style: chr16-88427990-G-A. GRCh37 (hg19) VCF-style: chr16-88494398-G-A.
Other names: NM_001127464.1:c.520G>A; short protein forms A174T.
Identifiers: ClinVar variation 1746096 (VCV001746096.5), dbSNP rs1339609890, ClinGen allele CA397060431.